The following is an entry in ClinVar:

ClinVar aggregate classification (germline): Conflicting classifications of pathogenicity. Review status: criteria provided, conflicting classifications (1 of 4 stars). 3 submissions from 3 submitters: Uncertain significance (2); Likely benign (1). Last evaluated 2025-08-22.

Allele frequency attached by ClinVar (database versions not stated): ExAC 0.00002; gnomAD exomes 0.00002; gnomAD 0.00003 and 0.00004; TOPMed 0.00005; ESP Exome Variant Server 0.00008.
gnomAD v4.1: 35 of 1,614,032 alleles (0.0022%); highest among the groups gnomAD compares: Non-Finnish European, 0.0029%; no homozygotes.

Submissions (3):

Ambry Genetics
Classification: Uncertain significance. Last evaluated: 2025-08-22. Review status: criteria provided, single submitter. Criteria: Ambry Variant Classification Scheme 2023. Collection method: clinical testing. Allele origin: germline.

CeGaT Center for Human Genetics Tuebingen
Classification: Likely benign. Last evaluated: 2022-04-01. Review status: criteria provided, single submitter. Criteria: CeGaT Center For Human Genetics Tuebingen Variant Classification Criteria Version 2. Collection method: clinical testing. Allele origin: germline. Affected: yes. Observed: 1 variant allele.
Comment: EPB41L1: BP4, BS2

Genetic Services Laboratory, University of Chicago
Classification: Uncertain significance. Last evaluated: 2014-12-16. Review status: criteria provided, single submitter. Criteria: ACMG Guidelines, 2015. Collection method: clinical testing. Allele origin: germline.

NM_012156.2(EPB41L1):c.1772C>T (p.Thr591Met)

Gene: EPB41L1 (erythrocyte membrane protein band 4.1 like 1; plus strand). Cytogenetic location: 20q11.23.
Variant type: single nucleotide variant.
Coding change: c.1772C>T on transcript NM_012156.2 (MANE Select); coding-DNA position 1772, C replaced by T.
Protein change: p.Thr591Met; replaces threonine 591 with methionine.
Molecular consequence: missense variant. On other transcripts: intron variant (1).
Genome position (GRCh38, 1-based): chr20:36,209,591, C>T. VCF-style: chr20-36209591-C-T. GRCh37 (hg19) VCF-style: chr20-34797513-C-T.
Other names: c.1772C>T, p.Thr591Met (NM_001258329.1); c.1550C>T, p.Thr517Met (NM_001258331.2, NM_177996.2); c.1540-2681C>T (NM_001258330.1); short protein forms T517M, T591M.
Identifiers: ClinVar variation 210947 (VCV000210947.33), dbSNP rs375302378, ClinGen allele CA208481.